The following is an entry in ClinVar:

ClinVar aggregate classification (germline): Uncertain significance (1 of 4 stars; one submission).

Conditions:
Dilated cardiomyopathy 1G (CMD1G). Identifiers: Orphanet 154, MedGen C1858763, MONDO:0011400, OMIM 604145.
Autosomal recessive limb-girdle muscular dystrophy type 2J (LGMDR10). Also called: Limb-girdle muscular dystrophy, type 2J; MUSCULAR DYSTROPHY, LIMB-GIRDLE, AUTOSOMAL RECESSIVE 10. Identifiers: Orphanet 140922, MedGen C1837342, MONDO:0012127, OMIM 608807.

Allele frequency attached by ClinVar (database versions not stated): gnomAD exomes below 0.00001.
gnomAD v4.1: 1 of 1,613,834 alleles (0.000062%); highest among the groups gnomAD compares: Non-Finnish European, 0.000085%; no homozygotes.

Submission:

Labcorp Genetics (formerly Invitae), Labcorp
Classification: Uncertain significance for Dilated cardiomyopathy 1G; Autosomal recessive limb-girdle muscular dystrophy type 2J. Last evaluated: 2024-04-15. Review status: criteria provided, single submitter. Criteria: Invitae Variant Classification Sherloc (09022015). Collection method: clinical testing. Allele origin: germline.
Comment: This sequence change replaces threonine, which is neutral and polar, with serine, which is neutral and polar, at codon 34923 of the TTN protein (p.Thr34923Ser). This variant is not present in population databases (gnomAD no frequency). This variant has not been reported in the literature in individuals affected with TTN-related conditions. ClinVar contains an entry for this variant (Variation ID: 1482976). Experimental studies and prediction algorithms are not available or were not evaluated, and the functional significance of this variant is currently unknown. This variant is located in the M band of TTN (PMID: 25589632). Non-truncating variants in this region may be relevant for neuromuscular disorders, but have not been definitively shown to cause cardiomyopathy (PMID: 23975875). In summary, the available evidence is currently insufficient to determine the role of this variant in disease. Therefore, it has been classified as a Variant of Uncertain Significance.

Literature cited by the submitters: PubMed 25589632; PubMed 23975875.

NM_001267550.2(TTN):c.104767A>T (p.Thr34923Ser)

Genes: TTN-AS1 (TTN antisense RNA 1; plus strand), TTN (titin; minus strand). Cytogenetic location: 2q31.2.
Variant type: single nucleotide variant.
Coding change: c.104767A>T on transcript NM_001267550.2 (MANE Select); coding-DNA position 104767, A replaced by T.
Protein change: p.Thr34923Ser; replaces threonine 34923 with serine.
Molecular consequence: missense variant.
Genome position (GRCh38, 1-based): chr2:178,531,848, T>A on the plus strand (A>T on the coding strand, the complement: TTN is on the minus strand). VCF-style: chr2-178531848-T-A. GRCh37 (hg19) VCF-style: chr2-179396575-T-A.
Other names: c.99844A>T, p.Thr33282Ser (NM_001256850.1); c.77572A>T, p.Thr25858Ser (NM_003319.4); c.97063A>T, p.Thr32355Ser (NM_133378.4); c.77947A>T, p.Thr25983Ser (NM_133432.3); c.78148A>T, p.Thr26050Ser (NM_133437.4); short protein forms T25983S, T32355S, T34923S, T25858S, T26050S, T33282S.
Identifiers: ClinVar variation 1482976 (VCV001482976.6), dbSNP rs1689239806, ClinGen allele CA349410967.